The following is an entry in ClinVar:

NM_006947.4(SRP72):c.1715C>G (p.Pro572Arg)

Gene: SRP72 (signal recognition particle 72; plus strand). Cytogenetic location: 4q12.
Variant type: single nucleotide variant.
Coding change: c.1715C>G on transcript NM_006947.4 (MANE Select); coding-DNA position 1715, C replaced by G.
Protein change: p.Pro572Arg; replaces proline 572 with arginine.
Molecular consequence: missense variant. On other transcripts: non-coding transcript variant (1).
Genome position (GRCh38, 1-based): chr4:56,500,572, C>G. VCF-style: chr4-56500572-C-G. GRCh37 (hg19) VCF-style: chr4-57366738-C-G.
Other names: c.1532C>G, p.Pro511Arg (NM_001267722.2); short protein forms P511R, P572R.
Identifiers: ClinVar variation 4174965 (VCV004174965.1).
Genomic context (GRCh38, chr4:56,500,572, plus strand): 5'-CATTTCTTTATAATCGTTATGCAGGAAAATTGCCTAAGAATTATGACCCAAAAGTTACCC[C>G]AGATCCAGAAAGATGGCTGCCAATGCGAGAACGTTCTTACTACCGGGGAAGAAAGAAGGG-3'
Protein context (NP_008878.3, residues 562-582): LPKNYDPKVT[Pro572Arg]DPERWLPMRE

ClinVar aggregate classification (germline): Uncertain significance (1 of 4 stars; one submission).

gnomAD v4.1: 3 of 1,613,784 alleles (0.00019%); highest among the groups gnomAD compares: East Asian, 0.0045%; no homozygotes.

Submission:

Ambry Genetics
Classification: Uncertain significance. Last evaluated: 2025-08-12. Review status: criteria provided, single submitter. Criteria: Ambry Variant Classification Scheme 2023. Collection method: clinical testing. Allele origin: germline.
Comment: The p.P572R variant (also known as c.1715C>G), located in coding exon 18 of the SRP72 gene, results from a C to G substitution at nucleotide position 1715. The proline at codon 572 is replaced by arginine, an amino acid with dissimilar properties. This amino acid position is conserved. In addition, this alteration is predicted to be deleterious by in silico analysis. Based on the available evidence, the clinical significance of this variant remains unclear.